The following is an entry in ClinVar:

NM_000037.4(ANK1):c.1825G>A (p.Ala609Thr)

Gene: ANK1 (ankyrin 1; minus strand). Cytogenetic location: 8p11.21.
Variant type: single nucleotide variant.
Coding change: c.1825G>A on transcript NM_000037.4 (MANE Select); coding-DNA position 1825, G replaced by A.
Protein change: p.Ala609Thr; replaces alanine 609 with threonine.
Molecular consequence: missense variant.
Genome position (GRCh38, 1-based): chr8:41,708,951, C>T on the plus strand (G>A on the coding strand, the complement: ANK1 is on the minus strand). VCF-style: chr8-41708951-C-T. GRCh37 (hg19) VCF-style: chr8-41566469-C-T.
Other names: c.1924G>A, p.Ala642Thr (NM_001142446.2); c.1825G>A, p.Ala609Thr (NM_020477.3, NM_020475.3, NM_020476.3); short protein forms A642T, A609T.
Identifiers: ClinVar variation 2801754 (VCV002801754.3), dbSNP rs564238506, ClinGen allele CA4728453.

ClinVar aggregate classification (germline): Uncertain significance (1 of 4 stars; one submission).

Allele frequency attached by ClinVar (database versions not stated): gnomAD 0.00001; gnomAD exomes 0.00001; TOPMed 0.00001; ExAC 0.00002; 1000 Genomes Project 30x 0.00016; 1000 Genomes Project 0.00020.
gnomAD v4.1: 13 of 1,614,032 alleles (0.00081%); highest among the groups gnomAD compares: Admixed American, 0.005%; no homozygotes.

Submission:

Labcorp Genetics (formerly Invitae), Labcorp
Classification: Uncertain significance. Last evaluated: 2023-11-28. Review status: criteria provided, single submitter. Criteria: Invitae Variant Classification Sherloc (09022015). Collection method: clinical testing. Allele origin: germline.
Comment: This sequence change replaces alanine, which is neutral and non-polar, with threonine, which is neutral and polar, at codon 609 of the ANK1 protein (p.Ala609Thr). This variant is present in population databases (rs564238506, gnomAD 0.006%). This variant has not been reported in the literature in individuals affected with ANK1-related conditions. Advanced modeling of protein sequence and biophysical properties (such as structural, functional, and spatial information, amino acid conservation, physicochemical variation, residue mobility, and thermodynamic stability) has been performed at Invitae for this missense variant, however the output from this modeling did not meet the statistical confidence thresholds required to predict the impact of this variant on ANK1 protein function. In summary, the available evidence is currently insufficient to determine the role of this variant in disease. Therefore, it has been classified as a Variant of Uncertain Significance.